The following is an entry in ClinVar:

NM_001257291.2(SLC9A7):c.141G>A (p.Ala47=)

Gene: SLC9A7 (solute carrier family 9 member A7; minus strand). Cytogenetic location: Xp11.3.
Variant type: single nucleotide variant.
Coding change: c.141G>A on transcript NM_001257291.2 (MANE Select); coding-DNA position 141, G replaced by A.
Protein change: p.Ala47=; no amino-acid change (alanine 47 retained).
Molecular consequence: synonymous variant.
Genome position (GRCh38, 1-based): chrX:46,758,889, C>T on the plus strand (G>A on the coding strand, the complement: SLC9A7 is on the minus strand). VCF-style: chrX-46758889-C-T. GRCh37 (hg19) VCF-style: chrX-46618324-C-T.
Other names: c.141G>A, p.Ala47= (NM_032591.3).
Identifiers: ClinVar variation 4281561 (VCV004281561.7).

ClinVar aggregate classification (germline): Likely benign (1 of 4 stars; one submission).

gnomAD v4.1: 1 of 1,184,656 alleles (0.000084%); highest among the groups gnomAD compares: Non-Finnish European, 0.00011%; no homozygotes.

Submission:

CeGaT Center for Human Genetics Tuebingen
Classification: Likely benign. Last evaluated: 2025-09-01. Review status: criteria provided, single submitter. Criteria: CeGaT Center For Human Genetics Tuebingen Variant Classification Criteria Version 2. Collection method: clinical testing. Allele origin: germline. Affected: yes. Observed: 1 variant allele.
Comment: SLC9A7: BP4, BP7